The following is an entry in ClinVar:

ClinVar aggregate classification (germline): Uncertain significance (1 of 4 stars; one submission).

Conditions:
Cognitive impairment - coarse facies - heart defects - obesity - pulmonary involvement - short stature - skeletal dysplasia syndrome. Also called: COGNITIVE IMPAIRMENT, COARSE FACIES, HEART DEFECTS, OBESITY, PULMONARY INVOLVEMENT, SHORT STATURE, AND SKELETAL DYSPLASIA; Chops syndrome; AFF4-Related CHOPS Syndrome. Identifiers: Orphanet 444077, MedGen C4085597, MONDO:0014609, OMIM 616368.

Allele frequency attached by ClinVar (database versions not stated): TOPMed below 0.00001.

Submission:

Labcorp Genetics (formerly Invitae), Labcorp
Classification: Uncertain significance for Cognitive impairment - coarse facies - heart defects - obesity - pulmonary involvement - short stature - skeletal dysplasia syndrome. Last evaluated: 2021-12-12. Review status: criteria provided, single submitter. Criteria: Invitae Variant Classification Sherloc (09022015). Collection method: clinical testing. Allele origin: germline.
Comment: In summary, the available evidence is currently insufficient to determine the role of this variant in disease. Therefore, it has been classified as a Variant of Uncertain Significance. Algorithms developed to predict the effect of missense changes on protein structure and function are either unavailable or do not agree on the potential impact of this missense change (SIFT: "Tolerated"; PolyPhen-2: "Possibly Damaging"; Align-GVGD: "Class C0"). This variant has not been reported in the literature in individuals affected with AFF4-related conditions. This variant is not present in population databases (gnomAD no frequency). This sequence change replaces lysine, which is basic and polar, with glutamic acid, which is acidic and polar, at codon 667 of the AFF4 protein (p.Lys667Glu).

NM_014423.4(AFF4):c.1999A>G (p.Lys667Glu)

Gene: AFF4 (ALF transcription elongation factor 4; minus strand). Cytogenetic location: 5q31.1.
Variant type: single nucleotide variant.
Coding change: c.1999A>G on transcript NM_014423.4 (MANE Select); coding-DNA position 1999, A replaced by G.
Protein change: p.Lys667Glu; replaces lysine 667 with glutamic acid.
Molecular consequence: missense variant.
Genome position (GRCh38, 1-based): chr5:132,896,631, T>C on the plus strand (A>G on the coding strand, the complement: AFF4 is on the minus strand). VCF-style: chr5-132896631-T-C. GRCh37 (hg19) VCF-style: chr5-132232323-T-C.
Other names: short protein forms K667E.
Identifiers: ClinVar variation 2417082 (VCV002417082.6), dbSNP rs1760406898, ClinGen allele CA360935712.